The following is an entry in ClinVar:

ClinVar aggregate classification (germline): Likely benign (0 of 4 stars; one submission).

Conditions:
CREBBP-related disorder. Also called: CREBBP-related condition; CREBBP-related disorders.

Submission:

PreventionGenetics, part of Exact Sciences
Classification: Likely benign for CREBBP-related condition. Last evaluated: 2024-03-23. Review status: no assertion criteria provided. Collection method: clinical testing. Allele origin: germline.
Comment: This variant is classified as likely benign based on ACMG/AMP sequence variant interpretation guidelines (Richards et al. 2015 PMID: 25741868, with internal and published modifications).

NM_004380.3(CREBBP):c.4281-11C>T

Gene: CREBBP (CREB binding lysine acetyltransferase; minus strand). Cytogenetic location: 16p13.3.
Variant type: single nucleotide variant.
Coding change: c.4281-11C>T on transcript NM_004380.3 (MANE Select); 11 bases into the intron before coding-DNA position 4281, C replaced by T.
Molecular consequence: intron variant.
Genome position (GRCh38, 1-based): chr16:3,738,683, G>A on the plus strand (C>T on the coding strand, the complement: CREBBP is on the minus strand). VCF-style: chr16-3738683-G-A. GRCh37 (hg19) VCF-style: chr16-3788684-G-A.
Other names: c.4167-11C>T (NM_001079846.1).
Identifiers: ClinVar variation 3349002 (VCV003349002.1).